The following is an entry in ClinVar:

ClinVar aggregate classification (germline): Likely benign. Review status: criteria provided, multiple submitters, no conflicts (2 of 4 stars). 2 submissions from 2 submitters: Likely benign (2). Last evaluated 2025-11-07.

Conditions:
CWC27-related disorder. Also called: CWC27-related condition.

gnomAD v4.1: 257 of 1,534,816 alleles (0.017%); highest among the groups gnomAD compares: South Asian, 0.039%; 1 homozygote.

Submissions (2):

PreventionGenetics, part of Exact Sciences
Classification: Likely benign for CWC27-related condition. Last evaluated: 2025-11-07. Review status: criteria provided, single submitter. Criteria: ACMG Guidelines, 2015. Collection method: clinical testing. Allele origin: germline.
Comment: This variant is classified as likely benign based on ACMG/AMP sequence variant interpretation guidelines (Richards et al. 2015 PMID: 25741868, with internal and published modifications).

Blueprint Genetics
Classification: Likely benign. Last evaluated: 2024-11-21. Review status: criteria provided, single submitter. Criteria: ACMG Guidelines, 2015. Collection method: clinical testing. Allele origin: germline.

NM_005869.4(CWC27):c.938+3231G>A

Gene: CWC27 (CWC27 spliceosome associated cyclophilin; plus strand). Cytogenetic location: 5q12.3.
Variant type: single nucleotide variant.
Coding change: c.938+3231G>A on transcript NM_005869.4 (MANE Select); 3231 bases into the intron after coding-DNA position 938, G replaced by A.
Molecular consequence: intron variant. On other transcripts: synonymous variant (1).
Genome position (GRCh38, 1-based): chr5:64,807,617, G>A. VCF-style: chr5-64807617-G-A. GRCh37 (hg19) VCF-style: chr5-64103444-G-A.
Other names: c.957G>A, p.Leu319= (NM_001297645.2); c.938+3231G>A (NM_001297644.1, NM_001364478.1, NM_001318000.2); c.957G>A (NM_001297645.1).
Identifiers: ClinVar variation 4970570 (VCV004970570.2).
Genomic context (GRCh38, chr5:64,807,617, plus strand): 5'-CTCTTCCCTTTTTAAAATGTACCAATCCCACTTTCTTTCCAGCCCACCTTCTCTATGCCT[G>A]TATCTTGACTACTGGATACAGCTCAGCAGAATCACACAGGCATATACAAGCTGGTATTAT-3'